The following is an entry in ClinVar:

NM_181503.3(EXOSC8):c.569G>A (p.Arg190Lys)

Gene: EXOSC8 (exosome component 8; plus strand). Cytogenetic location: 13q13.3.
Variant type: single nucleotide variant.
Coding change: c.569G>A on transcript NM_181503.3 (MANE Select); coding-DNA position 569, G replaced by A.
Protein change: p.Arg190Lys; replaces arginine 190 with lysine.
Molecular consequence: missense variant.
Genome position (GRCh38, 1-based): chr13:37,008,138, G>A. VCF-style: chr13-37008138-G-A. GRCh37 (hg19) VCF-style: chr13-37582275-G-A.
Other names: c.569G>A (NM_181503.2); short protein forms R190K.
Identifiers: ClinVar variation 2051061 (VCV002051061.4), dbSNP rs200992929, ClinGen allele CA6951290.

ClinVar aggregate classification (germline): Uncertain significance. Review status: criteria provided, multiple submitters, no conflicts (2 of 4 stars). 2 submissions from 2 submitters: Uncertain significance (2). Last evaluated 2025-08-08.

Allele frequency attached by ClinVar (database versions not stated): gnomAD 0.00002; gnomAD exomes 0.00007; TOPMed 0.00009; 1000 Genomes Project 30x 0.00016; 1000 Genomes Project 0.00020; ExAC 0.00020.
gnomAD v4.1: 44 of 1,597,636 alleles (0.0028%); highest among the groups gnomAD compares: Admixed American, 0.072%; 1 homozygote.

Submissions (2):

Ambry Genetics
Classification: Uncertain significance. Last evaluated: 2025-08-08. Review status: criteria provided, single submitter. Criteria: Ambry Variant Classification Scheme 2023. Collection method: clinical testing. Allele origin: germline.

Labcorp Genetics (formerly Invitae), Labcorp
Classification: Uncertain significance. Last evaluated: 2024-10-23. Review status: criteria provided, single submitter. Criteria: Invitae Variant Classification Sherloc (09022015). Collection method: clinical testing. Allele origin: germline.
Comment: This sequence change replaces arginine, which is basic and polar, with lysine, which is basic and polar, at codon 190 of the EXOSC8 protein (p.Arg190Lys). This variant is present in population databases (rs200992929, gnomAD 0.1%), including at least one homozygous and/or hemizygous individual. This variant has not been reported in the literature in individuals affected with EXOSC8-related conditions. ClinVar contains an entry for this variant (Variation ID: 2051061). Invitae Evidence Modeling of protein sequence and biophysical properties (such as structural, functional, and spatial information, amino acid conservation, physicochemical variation, residue mobility, and thermodynamic stability) indicates that this missense variant is not expected to disrupt EXOSC8 protein function with a negative predictive value of 80%. In summary, the available evidence is currently insufficient to determine the role of this variant in disease. Therefore, it has been classified as a Variant of Uncertain Significance.